The following is an entry in ClinVar:

ClinVar aggregate classification (germline): Uncertain significance (1 of 4 stars; one submission).

Submission:

Labcorp Genetics (formerly Invitae), Labcorp
Classification: Uncertain significance. Last evaluated: 2024-10-30. Review status: criteria provided, single submitter. Criteria: Invitae Variant Classification Sherloc (09022015). Collection method: clinical testing. Allele origin: germline.
Comment: This sequence change replaces isoleucine, which is neutral and non-polar, with threonine, which is neutral and polar, at codon 308 of the CLCN4 protein (p.Ile308Thr). This variant is not present in population databases (gnomAD no frequency). This variant has not been reported in the literature in individuals affected with CLCN4-related conditions. Invitae Evidence Modeling of protein sequence and biophysical properties (such as structural, functional, and spatial information, amino acid conservation, physicochemical variation, residue mobility, and thermodynamic stability) has been performed for this missense variant. However, the output from this modeling did not meet the statistical confidence thresholds required to predict the impact of this variant on CLCN4 protein function. In summary, the available evidence is currently insufficient to determine the role of this variant in disease. Therefore, it has been classified as a Variant of Uncertain Significance.

NM_001830.4(CLCN4):c.923T>C (p.Ile308Thr)

Gene: CLCN4 (chloride voltage-gated channel 4; plus strand). Cytogenetic location: Xp22.2.
Variant type: single nucleotide variant.
Coding change: c.923T>C on transcript NM_001830.4 (MANE Select); coding-DNA position 923, T replaced by C.
Protein change: p.Ile308Thr; replaces isoleucine 308 with threonine.
Molecular consequence: missense variant.
Genome position (GRCh38, 1-based): chrX:10,208,124, T>C. VCF-style: chrX-10208124-T-C. GRCh37 (hg19) VCF-style: chrX-10176164-T-C.
Other names: c.641T>C, p.Ile214Thr (NM_001256944.2); short protein forms I214T, I308T.
Identifiers: ClinVar variation 3719720 (VCV003719720.2).
Genomic context (GRCh38, chrX:10,208,124, plus strand): 5'-TGAAGACCTTGTGGAGGTCATTTTTCGCAGCCCTGGTGGCGGCCTTTACGCTGAGATCCA[T>C]CAATCCCTTTGGGAATAGCCGTCTCGTTCTCTTTTATGTGGAATACCACACGCCCTGGTA-3'
Protein context (NP_001821.2, residues 298-318): ALVAAFTLRS[Ile308Thr]NPFGNSRLVL